The following is an entry in ClinVar:

NM_000875.5(IGF1R):c.*6493C>T

Gene: IGF1R (insulin like growth factor 1 receptor; plus strand). Cytogenetic location: 15q26.3.
Variant type: single nucleotide variant.
Coding change: c.*6493C>T on transcript NM_000875.5 (MANE Select); 6493 bases downstream of the stop codon, C replaced by T.
Molecular consequence: 3 prime UTR variant.
Genome position (GRCh38, 1-based): chr15:98,963,935, C>T. VCF-style: chr15-98963935-C-T. GRCh37 (hg19) VCF-style: chr15-99507164-C-T.
Other names: c.*6493C>T (NM_001291858.2).
Identifiers: ClinVar variation 317640 (VCV000317640.5), dbSNP rs142100490, ClinGen allele CA10642804.

ClinVar aggregate classification (germline): Benign (1 of 4 stars; one submission).

Conditions:
Growth delay due to insulin-like growth factor I resistance. Also called: Somatomedin end-organ insensitivity to; Somatomedin-c resistance to; IGF-1 resistance; IGF-I RESISTANCE; Insulin-Like Growth Factor I Resistance. Identifiers: Orphanet 73273, MedGen C1849157, MONDO:0010038, OMIM 270450.

Allele frequency attached by ClinVar (database versions not stated): gnomAD 0.00068 and 0.00078; TOPMed 0.00080; gnomAD exomes 0.00124; 1000 Genomes Project 30x 0.00328; 1000 Genomes Project 0.00419.
gnomAD v4.1: 222 of 233,028 alleles (0.095%); highest among the groups gnomAD compares: East Asian, 0.93%; 4 homozygotes.

Submission:

Illumina Laboratory Services, Illumina
Classification: Benign for Growth delay due to insulin-like growth factor I resistance. Last evaluated: 2018-01-13. Review status: criteria provided, single submitter. Criteria: ICSL Variant Classification Criteria 13 December 2019. Collection method: clinical testing. Allele origin: germline.
Comment: This variant was observed in the ICSL laboratory as part of a predisposition screen in an ostensibly healthy population. It had not been previously curated by ICSL or reported in the Human Gene Mutation Database (HGMD: prior to June 1st, 2018), and was therefore a candidate for classification through an automated scoring system. Utilizing variant allele frequency, disease prevalence and penetrance estimates, and inheritance mode, an automated score was calculated to assess if this variant is too frequent to cause the disease. Based on the score and internal cut-off values, a variant classified as benign is not then subjected to further curation. The score for this variant resulted in a classification of benign for this disease.